The following is an entry in ClinVar:

ClinVar aggregate classification (germline): Uncertain significance (1 of 4 stars; one submission).

Conditions:
Long QT syndrome (LQTS). Identifiers: MedGen C0023976, MeSH D008133, MONDO:0002442. Disease mechanism: loss of function. Inheritance: Various modes of inheritance.

gnomAD v4.1: 6 of 1,554,590 alleles (0.00039%); highest among the groups gnomAD compares: Non-Finnish European, 0.00053%; no homozygotes.

Submission:

Labcorp Genetics (formerly Invitae), Labcorp
Classification: Uncertain significance for Long QT syndrome. Last evaluated: 2024-11-24. Review status: criteria provided, single submitter. Criteria: Invitae Variant Classification Sherloc (09022015). Collection method: clinical testing. Allele origin: germline.
Comment: This sequence change affects an acceptor splice site in intron 24 of the AKAP9 gene. It is expected to disrupt RNA splicing. Variants that disrupt the donor or acceptor splice site typically lead to a loss of protein function (PMID: 16199547), however the current clinical and genetic evidence is not sufficient to establish whether loss-of-function variants in AKAP9 cause disease. This variant is present in population databases (rs754385942, gnomAD 0.0009%). This variant has not been reported in the literature in individuals affected with AKAP9-related conditions. Algorithms developed to predict the effect of sequence changes on RNA splicing suggest that this variant may disrupt the consensus splice site. In summary, the available evidence is currently insufficient to determine the role of this variant in disease. Therefore, it has been classified as a Variant of Uncertain Significance.

Literature cited by the submitters: PubMed 16199547.

NM_005751.5(AKAP9):c.5978-2A>G

Gene: AKAP9 (A-kinase anchoring protein 9; plus strand). Cytogenetic location: 7q21.2.
Variant type: single nucleotide variant.
Coding change: c.5978-2A>G on transcript NM_005751.5 (MANE Select); the canonical splice acceptor site of the intron before coding-DNA position 5978, A replaced by G.
Molecular consequence: splice acceptor variant.
Genome position (GRCh38, 1-based): chr7:92,065,229, A>G. VCF-style: chr7-92065229-A-G. GRCh37 (hg19) VCF-style: chr7-91694543-A-G.
Other names: c.5978-2A>G (NM_147185.3); c.623-2A>G (NM_001379277.1).
Identifiers: ClinVar variation 3710692 (VCV003710692.2).
Genomic context (GRCh38, chr7:92,065,229, plus strand): 5'-ATTTCATTATCATAAGATCATTAATTGTGATTTAATTCAGTATATTTTGTATTAATAAAC[A>G]GAATTACTACAGGAGACAGAAAAATTAATGAAGGAAAAACTAGAAGTACAATGTCAAGCT-3'